The following is an entry in ClinVar:

ClinVar aggregate classification (germline): Conflicting classifications of pathogenicity. Review status: criteria provided, conflicting classifications (1 of 4 stars). 4 submissions from 4 submitters: Uncertain significance (1); Benign (2); Likely benign (1). Last evaluated 2023-11-20.

Conditions:
Cardiomyopathy (CMYO). Also called: Cardiomyopathies. Identifiers: Orphanet 167848, MedGen C0878544, MONDO:0004994, HP:0001638. Inheritance: Various modes of inheritance.
Cardiovascular phenotype. Identifiers: MedGen CN230736.
Hypertrophic cardiomyopathy. Also called: HYPERTROPHIC MYOCARDIOPATHY. Identifiers: Orphanet 217569, MedGen C0007194, MeSH D002312, MONDO:0005045, HP:0001639.

Allele frequency attached by ClinVar (database versions not stated): gnomAD 0.00001 and 0.00003; TOPMed 0.00001; gnomAD exomes 0.00003; ExAC 0.00006; 1000 Genomes Project 30x 0.00016; 1000 Genomes Project 0.00020.
gnomAD v4.1: 48 of 1,613,962 alleles (0.003%); highest among the groups gnomAD compares: East Asian, 0.1%; 1 homozygote.

Submissions (4):

All of Us Research Program, National Institutes of Health
Classification: Benign for Cardiomyopathy. Last evaluated: 2023-11-20. Review status: criteria provided, single submitter. Criteria: ACMG Guidelines, 2015. Collection method: clinical testing. Allele origin: germline. Inheritance: Autosomal dominant inheritance. Observed: 1 variant allele, 1 heterozygote.
Comment: This study involves interpretation of variants in research participants for the purpose of population health screening. Participant phenotype was not available at the time of variant classification. Additional details can be found in publication PMID: 35346344, PMCID: PMC8962531

Labcorp Genetics (formerly Invitae), Labcorp
Classification: Uncertain significance for Hypertrophic cardiomyopathy. Last evaluated: 2023-09-13. Review status: criteria provided, single submitter. Criteria: Invitae Variant Classification Sherloc (09022015). Collection method: clinical testing. Allele origin: germline.
Comment: In summary, the available evidence is currently insufficient to determine the role of this variant in disease. Therefore, it has been classified as a Variant of Uncertain Significance. Algorithms developed to predict the effect of sequence changes on RNA splicing suggest that this variant is not likely to affect RNA splicing. ClinVar contains an entry for this variant (Variation ID: 834111). This variant has not been reported in the literature in individuals affected with MYH7-related conditions. This variant is present in population databases (rs45565337, gnomAD 0.05%). This sequence change affects codon 1284 of the MYH7 mRNA. It is a 'silent' change, meaning that it does not change the encoded amino acid sequence of the MYH7 protein. It affects a nucleotide within the consensus splice site.

Color Diagnostics, LLC DBA Color Health
Classification: Benign for Cardiomyopathy. Last evaluated: 2021-03-18. Review status: criteria provided, single submitter. Criteria: ACMG Guidelines, 2015. Collection method: clinical testing. Allele origin: germline.

Ambry Genetics
Classification: Likely benign for Cardiovascular phenotype. Last evaluated: 2019-04-15. Review status: criteria provided, single submitter. Criteria: Ambry Variant Classification Scheme 2023. Collection method: clinical testing. Allele origin: germline.

NM_000257.4(MYH7):c.3852T>C (p.Asn1284=)

Gene: MYH7 (myosin heavy chain 7; minus strand). Cytogenetic location: 14q11.2.
Variant type: single nucleotide variant.
Coding change: c.3852T>C on transcript NM_000257.4 (MANE Select); coding-DNA position 3852, T replaced by C.
Protein change: p.Asn1284=; no amino-acid change (asparagine 1284 retained).
Molecular consequence: synonymous variant.
Genome position (GRCh38, 1-based): chr14:23,419,484, A>G on the plus strand (T>C on the coding strand, the complement: MYH7 is on the minus strand). VCF-style: chr14-23419484-A-G. GRCh37 (hg19) VCF-style: chr14-23888693-A-G.
Identifiers: ClinVar variation 834111 (VCV000834111.10), dbSNP rs45565337, ClinGen allele CA039080.